The following is an entry in ClinVar:

NM_022114.4(PRDM16):c.2491C>T (p.Arg831Cys)

Gene: PRDM16 (PR/SET domain 16; plus strand). Cytogenetic location: 1p36.32.
Variant type: single nucleotide variant.
Coding change: c.2491C>T on transcript NM_022114.4 (MANE Select); coding-DNA position 2491, C replaced by T.
Protein change: p.Arg831Cys; replaces arginine 831 with cysteine.
Molecular consequence: missense variant.
Genome position (GRCh38, 1-based): chr1:3,412,688, C>T. VCF-style: chr1-3412688-C-T. GRCh37 (hg19) VCF-style: chr1-3329252-C-T.
Other names: c.2491C>T, p.Arg831Cys (NM_199454.3); short protein forms R831C.
Identifiers: ClinVar variation 1058660 (VCV001058660.11), dbSNP rs1392945429, ClinGen allele CA338000685.
Genomic context (GRCh38, chr1:3,412,688, plus strand): 5'-GCCCGTGCCAGCCAAAACGGCGGCGGGCGGGAGCCCCGCAAGAACCACGTCTATGGGGAA[C>T]GCAAGCTGGGCGCCGGCGAGGGGCTGCCCCAGGTGTGCCCGGCGCGGATGCCCCAGCAGC-3'
Protein context (NP_071397.3, residues 821-841): EPRKNHVYGE[Arg831Cys]KLGAGEGLPQ

ClinVar aggregate classification (germline): Uncertain significance. Review status: criteria provided, multiple submitters, no conflicts (2 of 4 stars). 2 submissions from 2 submitters: Uncertain significance (2). Last evaluated 2025-11-23.

Conditions:
Left ventricular noncompaction 8 (LVNC8). Identifiers: Orphanet 154, Orphanet 54260, MedGen C3809288, MONDO:0014152, OMIM 615373.

Allele frequency attached by ClinVar (database versions not stated): gnomAD 0.00001; TOPMed 0.00001; gnomAD exomes 0.00004.
gnomAD v4.1: 26 of 1,499,716 alleles (0.0017%); highest among the groups gnomAD compares: African/African-American, 0.0042%; no homozygotes.

Submissions (2):

Labcorp Genetics (formerly Invitae), Labcorp
Classification: Uncertain significance for Left ventricular noncompaction 8. Last evaluated: 2025-11-23. Review status: criteria provided, single submitter. Criteria: Invitae Variant Classification Sherloc (09022015). Collection method: clinical testing. Allele origin: germline.
Comment: This sequence change replaces arginine, which is basic and polar, with cysteine, which is neutral and slightly polar, at codon 831 of the PRDM16 protein (p.Arg831Cys). This variant is present in population databases (no rsID available, gnomAD 0.007%). This variant has not been reported in the literature in individuals affected with PRDM16-related conditions. ClinVar contains an entry for this variant (Variation ID: 1058660). An algorithm developed to predict the effect of missense changes on protein structure and function (PolyPhen-2) suggests that this variant is likely to be disruptive. In summary, the available evidence is currently insufficient to determine the role of this variant in disease. Therefore, it has been classified as a Variant of Uncertain Significance.

GeneDx
Classification: Uncertain significance. Last evaluated: 2020-04-23. Review status: criteria provided, single submitter. Criteria: GeneDx Variant Classification Process June 2021. Collection method: clinical testing. Allele origin: germline. Affected: yes.
Comment: Has not been previously published as pathogenic or benign to our knowledge; In silico analysis, which includes protein predictors and evolutionary conservation, supports a deleterious effect